The following is an entry in ClinVar:

ClinVar aggregate classification (germline): Uncertain significance (1 of 4 stars; one submission).

Conditions:
Baller-Gerold syndrome (BGS). Also called: CRANIOSYNOSTOSIS WITH RADIAL DEFECTS. Identifiers: Orphanet 1225, MedGen C0265308, MONDO:0009039, OMIM 218600.

Submission:

Labcorp Genetics (formerly Invitae), Labcorp
Classification: Uncertain significance for Baller-Gerold syndrome. Last evaluated: 2022-05-09. Review status: criteria provided, single submitter. Criteria: Invitae Variant Classification Sherloc (09022015). Collection method: clinical testing. Allele origin: germline.
Comment: This variant has not been reported in the literature in individuals affected with RECQL4-related conditions. Experimental studies and prediction algorithms are not available or were not evaluated, and the functional significance of this variant is currently unknown. In summary, the available evidence is currently insufficient to determine the role of this variant in disease. Therefore, it has been classified as a Variant of Uncertain Significance. This variant is not present in population databases (gnomAD no frequency). This sequence change replaces arginine, which is basic and polar, with threonine, which is neutral and polar, at codon 1017 of the RECQL4 protein (p.Arg1017Thr).

NM_004260.4(RECQL4):c.3050G>C (p.Arg1017Thr)

Gene: RECQL4 (RecQ like helicase 4; minus strand). Cytogenetic location: 8q24.3.
Variant type: single nucleotide variant.
Coding change: c.3050G>C on transcript NM_004260.4 (MANE Select); coding-DNA position 3050, G replaced by C.
Protein change: p.Arg1017Thr; replaces arginine 1017 with threonine.
Molecular consequence: missense variant.
Genome position (GRCh38, 1-based): chr8:144,512,397, C>G on the plus strand (G>C on the coding strand, the complement: RECQL4 is on the minus strand). VCF-style: chr8-144512397-C-G. GRCh37 (hg19) VCF-style: chr8-145737780-C-G.
Other names: c.2954G>C, p.Arg985Thr (NM_001413020.1); c.1979G>C, p.Arg660Thr (NM_001413021.1, NM_001413022.1, NM_001413024.1 and 4 more transcripts); c.2054G>C, p.Arg685Thr (NM_001413023.1); c.2921G>C, p.Arg974Thr (NM_001413025.1); c.1913G>C, p.Arg638Thr (NM_001413027.1, NM_001413030.1, NM_001413032.1); c.2699G>C, p.Arg900Thr (NM_001413029.1); c.2756G>C, p.Arg919Thr (NM_001413017.1); c.2852G>C, p.Arg951Thr (NM_001413018.1); and 9 more; short protein forms R1017T, R594T, R973T, R985T, R528T, R638T, R900T, R919T.
Identifiers: ClinVar variation 2135739 (VCV002135739.4), dbSNP rs1554896820, ClinGen allele CA372671090.